The following is an entry in ClinVar:

ClinVar aggregate classification (germline): Benign. Review status: criteria provided, multiple submitters, no conflicts (2 of 4 stars). 4 submissions from 4 submitters: Benign (3). 1 of the submissions does not count toward it. Last evaluated 2024-11-26.

Conditions:
NUP155-related disorder. Also called: NUP155-related condition.

Allele frequency attached by ClinVar (database versions not stated): gnomAD exomes 0.04639 and 0.04883; TOPMed 0.04885; ESP Exome Variant Server 0.04936; ExAC 0.04991; gnomAD 0.05226 and 0.05259; 1000 Genomes Project 30x 0.05700; 1000 Genomes Project 0.05891.
gnomAD v4.1: 75,590 of 1,612,656 alleles (4.7%); highest among the groups gnomAD compares: South Asian, 8.3%; 2,007 homozygotes.

Submissions (4):

Blueprint Genetics
Classification: Benign. Last evaluated: 2024-11-26. Review status: criteria provided, single submitter. Criteria: ACMG Guidelines, 2015. Collection method: clinical testing. Allele origin: germline.

GeneDx
Classification: Benign. Last evaluated: 2021-05-14. Review status: criteria provided, single submitter. Criteria: GeneDx Variant Classification Process June 2021. Collection method: clinical testing. Allele origin: germline. Affected: yes.

Breakthrough Genomics
Classification: Benign. Review status: criteria provided, single submitter. Criteria: ACMG Guidelines, 2015. Collection method: not provided. Allele origin: germline. Inheritance: Autosomal recessive inheritance. Affected: yes.

PreventionGenetics, part of Exact Sciences
Classification: Benign for NUP155-related condition. Last evaluated: 2019-11-25. Review status: no assertion criteria provided. Collection method: clinical testing. Allele origin: germline. Not counted in ClinVar's aggregate classification.
Comment: This variant is classified as benign based on ACMG/AMP sequence variant interpretation guidelines (Richards et al. 2015 PMID: 25741868, with internal and published modifications).

NM_153485.3(NUP155):c.2903+10A>G

Gene: NUP155 (nucleoporin 155; minus strand). Cytogenetic location: 5p13.2.
Variant type: single nucleotide variant.
Coding change: c.2903+10A>G on transcript NM_153485.3 (MANE Select); 10 bases into the intron after coding-DNA position 2903, A replaced by G.
Molecular consequence: intron variant.
Genome position (GRCh38, 1-based): chr5:37,307,287, T>C on the plus strand (A>G on the coding strand, the complement: NUP155 is on the minus strand). VCF-style: chr5-37307287-T-C. GRCh37 (hg19) VCF-style: chr5-37307389-T-C.
Other names: c.2903+10A>G (NM_153485.2); c.2711+10A>G (NM_001278312.2); c.2726+10A>G (NM_004298.4).
Identifiers: ClinVar variation 1229137 (VCV001229137.7), dbSNP rs74646699, ClinGen allele CA3239579.
Genomic context (GRCh38, chr5:37,307,287, plus strand): 5'-ACAAAAAACATTATGCAAAGAAAAGTCTGTATCCATAAAGATGACAATCTGCTAACGTAA[T>C]GGAATGCACCTTTCTTGGAAGGCCTGAAGTCCAACTATGTCTTCTTCTGGTTCTCCATGT-3'